The following is an entry in ClinVar:

NM_015978.3(TNNI3K):c.1327_1328delinsTA (p.Ala443Ter)

Genes: FPGT-TNNI3K (FPGT-TNNI3K readthrough; plus strand), TNNI3K (TNNI3 interacting kinase; plus strand). Cytogenetic location: 1p31.1.
Variant type: Indel.
Coding change: c.1327_1328delinsTA on transcript NM_015978.3 (MANE Select); coding-DNA positions 1327 to 1328, GC replaced by TA.
Protein change: p.Ala443Ter; replaces alanine 443 with a stop codon.
Molecular consequence: nonsense.
Genome position (GRCh38, 1-based): chr1:74,369,027-74,369,028, GC replaced by TA. VCF-style: chr1-74369027-GC-TA. GRCh37 (hg19) VCF-style: chr1-74834711-GC-TA.
Other names: c.1630_1631delinsTA, p.Ala544Ter (NM_001112808.3, NM_001199327.2); short protein forms A544*, A443*.
Identifiers: ClinVar variation 1962994 (VCV001962994.5), dbSNP rs2524468743, ClinGen allele CA2580063218.

ClinVar aggregate classification (germline): Uncertain significance (1 of 4 stars; one submission).

Submission:

Labcorp Genetics (formerly Invitae), Labcorp
Classification: Uncertain significance. Last evaluated: 2024-11-30. Review status: criteria provided, single submitter. Criteria: Invitae Variant Classification Sherloc (09022015). Collection method: clinical testing. Allele origin: germline.
Comment: This sequence change creates a premature translational stop signal (p.Ala443*) in the TNNI3K gene. It is expected to result in an absent or disrupted protein product. However, the current clinical and genetic evidence is not sufficient to establish whether loss-of-function variants in TNNI3K cause disease. This variant is present in population databases (no rsID available, gnomAD 0.002%). This variant has not been reported in the literature in individuals affected with TNNI3K-related conditions. ClinVar contains an entry for this variant (Variation ID: 1962994). In summary, the available evidence is currently insufficient to determine the role of this variant in disease. Therefore, it has been classified as a Variant of Uncertain Significance.